The following is an entry in ClinVar:

ClinVar aggregate classification (germline): Likely pathogenic (1 of 4 stars; one submission).

Conditions:
Usher syndrome type 1F (USH1F). Also called: USHER SYNDROME, TYPE IF. Identifiers: Orphanet 231169, Orphanet 886, MedGen C1865885, MONDO:0011186, OMIM 602083.

Submission:

Natera, Inc.
Classification: Likely pathogenic for Usher syndrome type 1F. Last evaluated: 2024-12-18. Review status: criteria provided, single submitter. Criteria: Natera Variant Classification Schema (03/2026). Collection method: clinical testing. Allele origin: germline.
Comment: The c.986-1G>T variant in PCDH15 is a canonical splice acceptor site variant predicted to affect pre-mRNA splicing, which may result in an abnormal transcript and altered protein product. This variant is expected to result in nonsense mediated decay, truncation, or a dysfunctional protein product. This variant is rare in the general population with a frequency below the threshold expected for the associated phenotype(s). Given the available evidence, this variant is classified as Likely Pathogenic.

NM_001384140.1(PCDH15):c.986-1G>T

Gene: PCDH15 (protocadherin related 15; minus strand). Cytogenetic location: 10q21.1.
Variant type: single nucleotide variant.
Coding change: c.986-1G>T on transcript NM_001384140.1 (MANE Select); the canonical splice acceptor site of the intron before coding-DNA position 986, G replaced by T.
Molecular consequence: splice acceptor variant.
Genome position (GRCh38, 1-based): chr10:54,214,049, C>A on the plus strand (G>T on the coding strand, the complement: PCDH15 is on the minus strand). VCF-style: chr10-54214049-C-A. GRCh37 (hg19) VCF-style: chr10-55973809-C-A.
Other names: c.986-1G>T (NM_001354420.2, NM_001354429.2, NM_001142772.2 and 7 more transcripts); c.1001-1G>T (NM_001142771.2, NM_001142769.3, NM_001142763.2); c.920-1G>T (NM_001354404.2, NM_001142773.2, NM_001142768.2); c.875-1G>T (NM_001142767.2).
Identifiers: ClinVar variation 4816373 (VCV004816373.1).